The following is an entry in ClinVar:

ClinVar aggregate classification (germline): Uncertain significance (1 of 4 stars; one submission).

Conditions:
Charcot-Marie-Tooth disease type 2E (CMT2E). Also called: CHARCOT-MARIE-TOOTH NEUROPATHY, TYPE 2E; CHARCOT-MARIE-TOOTH DISEASE, AXONAL, TYPE 2E. Identifiers: Orphanet 99939, MedGen C1843225, MONDO:0011894, OMIM 607684.

Submission:

Labcorp Genetics (formerly Invitae), Labcorp
Classification: Uncertain significance for Charcot-Marie-Tooth disease type 2E. Last evaluated: 2022-08-11. Review status: criteria provided, single submitter. Criteria: Invitae Variant Classification Sherloc (09022015). Collection method: clinical testing. Allele origin: germline.
Comment: This variant is not present in population databases (gnomAD no frequency). This sequence change replaces lysine, which is basic and polar, with threonine, which is neutral and polar, at codon 379 of the NEFL protein (p.Lys379Thr). This variant has not been reported in the literature in individuals affected with NEFL-related conditions. In summary, the available evidence is currently insufficient to determine the role of this variant in disease. Therefore, it has been classified as a Variant of Uncertain Significance. Experimental studies and prediction algorithms are not available or were not evaluated, and the functional significance of this variant is currently unknown.

NM_006158.5(NEFL):c.1136A>C (p.Lys379Thr)

Genes: NEFL (neurofilament light chain; minus strand), LOC126860330 (BRD4-independent group 4 enhancer GRCh37_chr8:24811677-24812876; plus strand). Cytogenetic location: 8p21.2.
Variant type: single nucleotide variant.
Coding change: c.1136A>C on transcript NM_006158.5 (MANE Select); coding-DNA position 1136, A replaced by C.
Protein change: p.Lys379Thr; replaces lysine 379 with threonine.
Molecular consequence: missense variant.
Genome position (GRCh38, 1-based): chr8:24,954,214, T>G on the plus strand (A>C on the coding strand, the complement: NEFL is on the minus strand). VCF-style: chr8-24954214-T-G. GRCh37 (hg19) VCF-style: chr8-24811728-T-G.
Other names: short protein forms K379T.
Identifiers: ClinVar variation 2015053 (VCV002015053.4), dbSNP rs1004434510, ClinGen allele CA370620831.